The following is an entry in ClinVar:

ClinVar aggregate classification (germline): Likely pathogenic (1 of 4 stars; one submission).

Conditions:
Hereditary spastic paraplegia 44. Also called: SPASTIC PARAPLEGIA 44, AUTOSOMAL RECESSIVE. Identifiers: Orphanet 320401, MedGen C2750784, MONDO:0013179, OMIM 613206.

Submission:

Centre for Mendelian Genomics, University Medical Centre Ljubljana
Classification: Likely pathogenic for Hereditary spastic paraplegia 44. Last evaluated: 2019-10-03. Review status: criteria provided, single submitter. Criteria: ACMG Guidelines, 2015. Collection method: clinical testing. Allele origin: unknown. Affected: yes.
Comment: This variant was classified as: Likely pathogenic. The following ACMG criteria were applied in classifying this variant: PVS1,PM2.

NM_020435.4(GJC2):c.550_566del (p.Ala184fs)

Gene: GJC2 (gap junction protein gamma 2; plus strand). Cytogenetic location: 1q42.13.
Variant type: Deletion.
Coding change: c.550_566del on transcript NM_020435.4 (MANE Select); coding-DNA positions 550 to 566, 17 bases deleted (GCTGACGGCAAGGCGGC).
Protein change: p.Ala184fs; shifts the reading frame from alanine 184.
Molecular consequence: frameshift variant.
Genome position (GRCh38, 1-based): chr1:228,158,308-228,158,324, GCTGACGGCAAGGCGGC deleted; deleting any 17 consecutive bases within chr1:228,158,304-228,158,324 gives the same sequence; the c. name uses the placement nearest the transcript's 3' end. VCF-style (leftmost placement, unchanged base first): chr1-228158303-TCGGCGCTGACGGCAAGG-T. GRCh37 (hg19) VCF-style: chr1-228346004-TCGGCGCTGACGGCAAGG-T.
Other names: short protein forms A184fs.
Identifiers: ClinVar variation 930587 (VCV000930587.3), dbSNP rs758571008, ClinGen allele CA1139656617.
Genomic context (GRCh38, chr1:228,158,303, plus strand): 5'-CCGAGGGCGCCGGCGAGGAAGCGGAGGAGGCAGGCGCGGAGGAGGCGTGCACTAAGGCGG[TCGGCGCTGACGGCAAGG>T]CGGCAGGGACCCCGGGCCCGACCGGGCAACACGATGGGCGGAGGCGCATCCAGCGGGAGG-3'